The following is an entry in ClinVar:

NM_000179.3(MSH6):c.3245C>G (p.Pro1082Arg)

Gene: MSH6 (mutS homolog 6; plus strand). Cytogenetic location: 2p16.3.
Variant type: single nucleotide variant.
Coding change: c.3245C>G on transcript NM_000179.3 (MANE Select); coding-DNA position 3245, C replaced by G.
Protein change: p.Pro1082Arg; replaces proline 1082 with arginine.
Molecular consequence: missense variant.
Genome position (GRCh38, 1-based): chr2:47,803,492, C>G. VCF-style: chr2-47803492-C-G. GRCh37 (hg19) VCF-style: chr2-48030631-C-G.
Other names: c.2855C>G, p.Pro952Arg (NM_001281492.2); c.2339C>G, p.Pro780Arg (NM_001281493.2, NM_001281494.2); short protein forms P1082R, P952R, P780R.
Identifiers: ClinVar variation 924684 (VCV000924684.6), dbSNP rs191109849, ClinGen allele CA346758112.

ClinVar aggregate classification (germline): Uncertain significance. Review status: criteria provided, multiple submitters, no conflicts (2 of 4 stars). 2 submissions from 2 submitters: Uncertain significance (2). Last evaluated 2023-11-01.

Conditions:
Hereditary nonpolyposis colorectal neoplasms. Identifiers: MedGen C0009405, MeSH D003123.
Hereditary cancer-predisposing syndrome. Also called: Neoplastic Syndromes, Hereditary; Tumor predisposition; Hereditary Cancer Syndrome; Hereditary neoplastic syndrome. Identifiers: Orphanet 140162, MedGen C0027672, MeSH D009386, MONDO:0015356.

gnomAD v4.1: 3 of 1,614,042 alleles (0.00019%); highest among the groups gnomAD compares: East Asian, 0.0022%; no homozygotes.

Submissions (2):

Labcorp Genetics (formerly Invitae), Labcorp
Classification: Uncertain significance for Hereditary nonpolyposis colorectal neoplasms. Last evaluated: 2023-11-01. Review status: criteria provided, single submitter. Criteria: Invitae Variant Classification Sherloc (09022015). Collection method: clinical testing. Allele origin: germline.
Comment: This sequence change replaces proline, which is neutral and non-polar, with arginine, which is basic and polar, at codon 1082 of the MSH6 protein (p.Pro1082Arg). This variant is not present in population databases (gnomAD no frequency). This variant has not been reported in the literature in individuals affected with MSH6-related conditions. ClinVar contains an entry for this variant (Variation ID: 924684). Advanced modeling of protein sequence and biophysical properties (such as structural, functional, and spatial information, amino acid conservation, physicochemical variation, residue mobility, and thermodynamic stability) performed at Invitae indicates that this missense variant is not expected to disrupt MSH6 protein function with a negative predictive value of 95%. In summary, the available evidence is currently insufficient to determine the role of this variant in disease. Therefore, it has been classified as a Variant of Uncertain Significance.

Color Diagnostics, LLC DBA Color Health
Classification: Uncertain significance for Hereditary cancer-predisposing syndrome. Last evaluated: 2019-09-26. Review status: criteria provided, single submitter. Criteria: ACMG Guidelines, 2015. Collection method: clinical testing. Allele origin: germline.
Comment: This missense variant replaces proline with arginine at codon 1082 of the MSH6 protein. Computational prediction tool is inconclusive regarding the impact of this variant on protein structure and function (internally defined REVEL score threshold 0.5 < inconclusive < 0.7, PMID: 27666373). Splice site prediction tools suggest that this variant may not impact RNA splicing. To our knowledge, functional studies have not been performed for this variant. This variant has not been reported in individuals affected with hereditary cancer in the literature. This variant has not been identified in the general population by the Genome Aggregation Database (gnomAD). The available evidence is insufficient to determine the role of this variant in disease conclusively. Therefore, this variant is classified as a Variant of Uncertain Significance.